The following is an entry in ClinVar:

NM_003482.4(KMT2D):c.11201T>C (p.Leu3734Pro)

Gene: KMT2D (lysine methyltransferase 2D; minus strand). Cytogenetic location: 12q13.12.
Variant type: single nucleotide variant.
Coding change: c.11201T>C on transcript NM_003482.4 (MANE Select); coding-DNA position 11201, T replaced by C.
Protein change: p.Leu3734Pro; replaces leucine 3734 with proline.
Molecular consequence: missense variant.
Genome position (GRCh38, 1-based): chr12:49,033,504, A>G on the plus strand (T>C on the coding strand, the complement: KMT2D is on the minus strand). VCF-style: chr12-49033504-A-G. GRCh37 (hg19) VCF-style: chr12-49427287-A-G.
Other names: short protein forms L3734P.
Identifiers: ClinVar variation 3635117 (VCV003635117.2).

ClinVar aggregate classification (germline): Uncertain significance (1 of 4 stars; one submission).

Conditions:
Kabuki syndrome. Also called: NIIKAWA-KUROKI SYNDROME; Kabuki make-up syndrome. Identifiers: Orphanet 2322, MedGen C0796004, MONDO:0016512.

Submission:

Labcorp Genetics (formerly Invitae), Labcorp
Classification: Uncertain significance for Kabuki syndrome. Last evaluated: 2024-10-31. Review status: criteria provided, single submitter. Criteria: Invitae Variant Classification Sherloc (09022015). Collection method: clinical testing. Allele origin: germline.
Comment: This sequence change replaces leucine, which is neutral and non-polar, with proline, which is neutral and non-polar, at codon 3734 of the KMT2D protein (p.Leu3734Pro). This variant is not present in population databases (gnomAD no frequency). This variant has not been reported in the literature in individuals affected with KMT2D-related conditions. Invitae Evidence Modeling of protein sequence and biophysical properties (such as structural, functional, and spatial information, amino acid conservation, physicochemical variation, residue mobility, and thermodynamic stability) has been performed for this missense variant. However, the output from this modeling did not meet the statistical confidence thresholds required to predict the impact of this variant on KMT2D protein function. In summary, the available evidence is currently insufficient to determine the role of this variant in disease. Therefore, it has been classified as a Variant of Uncertain Significance.